The following is an entry in ClinVar:

ClinVar aggregate classification (germline): Uncertain significance. Review status: criteria provided, multiple submitters, no conflicts (2 of 4 stars). 4 submissions from 4 submitters: Uncertain significance (4). Last evaluated 2025-04-01.

Conditions:
Inborn genetic diseases. Identifiers: MedGen C0950123, MeSH D030342.
Dihydropteridine reductase deficiency (HPABH4C). Also called: HYPERPHENYLALANINEMIA, TETRAHYDROBIOPTERIN-DEFICIENT, DUE TO DHPR DEFICIENCY; QDPR DEFICIENCY; QUINOID DIHYDROPTERIDINE REDUCTASE DEFICIENCY; Phenylketonuria II; BH4-Deficient Hyperphenylalaninemia C; Hyperphenylalaninemia due to dihydropteridine reductase deficiency. Identifiers: Orphanet 226, Orphanet 238583, MedGen C0268465, MONDO:0009862, OMIM 261630.

Allele frequency attached by ClinVar (database versions not stated): gnomAD 0.00005; gnomAD exomes 0.00005; ExAC 0.00006; TOPMed 0.00006; 1000 Genomes Project 0.00020; 1000 Genomes Project 30x 0.00031.
gnomAD v4.1: 78 of 1,613,988 alleles (0.0048%); highest among the groups gnomAD compares: Admixed American, 0.012%; no homozygotes.

Submissions (4):

Ambry Genetics
Classification: Uncertain significance for Inborn genetic diseases. Last evaluated: 2025-04-01. Review status: criteria provided, single submitter. Criteria: Ambry Variant Classification Scheme 2023. Collection method: clinical testing. Allele origin: germline.

Blueprint Genetics
Classification: Uncertain significance. Last evaluated: 2023-05-24. Review status: criteria provided, single submitter. Criteria: ACMG Guidelines, 2015. Collection method: clinical testing. Allele origin: germline.

Labcorp Genetics (formerly Invitae), Labcorp
Classification: Uncertain significance for Dihydropteridine reductase deficiency. Last evaluated: 2022-07-26. Review status: criteria provided, single submitter. Criteria: Invitae Variant Classification Sherloc (09022015). Collection method: clinical testing. Allele origin: germline.
Comment: This sequence change replaces tyrosine, which is neutral and polar, with cysteine, which is neutral and slightly polar, at codon 243 of the QDPR protein (p.Tyr243Cys). This variant is present in population databases (rs565356844, gnomAD 0.01%). This variant has not been reported in the literature in individuals affected with QDPR-related conditions. ClinVar contains an entry for this variant (Variation ID: 1496349). Algorithms developed to predict the effect of missense changes on protein structure and function (SIFT, PolyPhen-2, Align-GVGD) all suggest that this variant is likely to be tolerated. In summary, the available evidence is currently insufficient to determine the role of this variant in disease. Therefore, it has been classified as a Variant of Uncertain Significance.

Revvity Omics, Revvity
Classification: Uncertain significance for Dihydropteridine reductase deficiency. Last evaluated: 2022-05-30. Review status: criteria provided, single submitter. Criteria: ACMG Guidelines, 2015. Collection method: clinical testing. Allele origin: germline.

NM_000320.3(QDPR):c.728A>G (p.Tyr243Cys)

Gene: QDPR (quinoid dihydropteridine reductase; minus strand). Cytogenetic location: 4p15.32.
Variant type: single nucleotide variant.
Coding change: c.728A>G on transcript NM_000320.3 (MANE Select); coding-DNA position 728, A replaced by G.
Protein change: p.Tyr243Cys; replaces tyrosine 243 with cysteine.
Molecular consequence: missense variant. On other transcripts: non-coding transcript variant (1).
Genome position (GRCh38, 1-based): chr4:17,487,138, T>C on the plus strand (A>G on the coding strand, the complement: QDPR is on the minus strand). VCF-style: chr4-17487138-T-C. GRCh37 (hg19) VCF-style: chr4-17488761-T-C.
Other names: c.635A>G, p.Tyr212Cys (NM_001306140.2); c.728A>G (NM_000320.2); short protein forms Y212C, Y243C.
Identifiers: ClinVar variation 1496349 (VCV001496349.12), dbSNP rs565356844, ClinGen allele CA2867994.